The following is an entry in ClinVar:

NM_178862.3(STT3B):c.2406C>A (p.Thr802=)

Gene: STT3B (STT3 oligosaccharyltransferase complex catalytic subunit B; plus strand). Cytogenetic location: 3p23.
Variant type: single nucleotide variant.
Coding change: c.2406C>A on transcript NM_178862.3 (MANE Select); coding-DNA position 2406, C replaced by A.
Protein change: p.Thr802=; no amino-acid change (threonine 802 retained).
Molecular consequence: synonymous variant.
Genome position (GRCh38, 1-based): chr3:31,635,989, C>A. VCF-style: chr3-31635989-C-A. GRCh37 (hg19) VCF-style: chr3-31677481-C-A.
Identifiers: ClinVar variation 516788 (VCV000516788.11), dbSNP rs17027884, ClinGen allele CA2295425.

ClinVar aggregate classification (germline): Benign. Review status: criteria provided, multiple submitters, no conflicts (2 of 4 stars). 3 submissions from 3 submitters: Benign (3). Last evaluated 2026-01-26.

Conditions:
STT3B-congenital disorder of glycosylation. Also called: Congenital disorder of glycosylation type 1x; STT3B-CDG; CDG Ix. Identifiers: Orphanet 370924, MedGen C2931007, MONDO:0014271, OMIM 615597.

Allele frequency attached by ClinVar (database versions not stated): 1000 Genomes Project 0.01058; gnomAD 0.01183 and 0.01283; 1000 Genomes Project 30x 0.01202; TOPMed 0.01409; ESP Exome Variant Server 0.01607.
gnomAD v4.1: 3,603 of 1,601,578 alleles (0.22%); highest among the groups gnomAD compares: African/African-American, 4.3%; 78 homozygotes.

Submissions (3):

Labcorp Genetics (formerly Invitae), Labcorp
Classification: Benign for STT3B-congenital disorder of glycosylation. Last evaluated: 2026-01-26. Review status: criteria provided, single submitter. Criteria: Invitae Variant Classification Sherloc (09022015). Collection method: clinical testing. Allele origin: germline.

GeneDx
Classification: Benign. Last evaluated: 2017-02-03. Review status: criteria provided, single submitter. Criteria: GeneDx Variant Classification (06012015). Collection method: clinical testing. Allele origin: germline. Affected: yes.
Comment: This variant is considered likely benign or benign based on one or more of the following criteria: it is a conservative change, it occurs at a poorly conserved position in the protein, it is predicted to be benign by multiple in silico algorithms, and/or has population frequency not consistent with disease.

Breakthrough Genomics
Classification: Benign. Review status: criteria provided, single submitter. Criteria: ACMG Guidelines, 2015. Collection method: not provided. Allele origin: germline. Inheritance: Autosomal recessive inheritance. Affected: yes.